The following is an entry in ClinVar:

NM_001267550.2(TTN):c.98591T>C (p.Val32864Ala)

Genes: TTN-AS1 (TTN antisense RNA 1; plus strand), TTN (titin; minus strand). Cytogenetic location: 2q31.2.
Variant type: single nucleotide variant.
Coding change: c.98591T>C on transcript NM_001267550.2 (MANE Select); coding-DNA position 98591, T replaced by C.
Protein change: p.Val32864Ala; replaces valine 32864 with alanine.
Molecular consequence: missense variant. On other transcripts: non-coding transcript variant (1).
Genome position (GRCh38, 1-based): chr2:178,539,474, A>G on the plus strand (T>C on the coding strand, the complement: TTN is on the minus strand). VCF-style: chr2-178539474-A-G. GRCh37 (hg19) VCF-style: chr2-179404201-A-G.
Other names: p.V31223A:GTA>GCA; c.93668T>C, p.Val31223Ala (NM_001256850.1); c.71396T>C, p.Val23799Ala (NM_003319.4); c.90887T>C, p.Val30296Ala (NM_133378.4); c.71771T>C, p.Val23924Ala (NM_133432.3); c.71972T>C, p.Val23991Ala (NM_133437.4); short protein forms V31223A, V32864A, V23799A, V30296A, V23991A, V23924A.
Identifiers: ClinVar variation 203039 (VCV000203039.45), dbSNP rs201257063, ClinGen allele CA311055.
Genomic context (GRCh38, chr2:178,539,474, plus strand): 5'-GATTTCAAGGGTTTGCTTATGCCAAACTGGTTTTCTGCTGAAACACGGAAATGGTATTCT[A>G]CATTCTCTTTGAGGCCTTTTACCACCAGAGATGTACCTCGGACTCTGGAATCAATGGTAT-3'
Protein context (NP_001254479.2, residues 32854-32874): SLVVKGLKEN[Val32864Ala]EYHFRVSAEN

ClinVar aggregate classification (germline): Conflicting classifications of pathogenicity. Review status: criteria provided, conflicting classifications (1 of 4 stars). 8 submissions from 8 submitters: Uncertain significance (7); Likely benign (1). Last evaluated 2025-12-03.

Conditions:
TTN-related disorder. Also called: TTN-related condition; TTN-related disease; TTN-related disorders.
Cardiovascular phenotype. Identifiers: MedGen CN230736.
Early-onset myopathy with fatal cardiomyopathy (CMYO5). Also called: Salih Myopathy; CONGENITAL MYOPATHY 5 WITH CARDIOMYOPATHY. Identifiers: Orphanet 289377, MedGen C2673677, MONDO:0012714, OMIM 611705. Disease mechanism: loss of function.
Autosomal recessive limb-girdle muscular dystrophy type 2J (LGMDR10). Also called: Limb-girdle muscular dystrophy, type 2J; MUSCULAR DYSTROPHY, LIMB-GIRDLE, AUTOSOMAL RECESSIVE 10. Identifiers: Orphanet 140922, MedGen C1837342, MONDO:0012127, OMIM 608807.
Myopathy, myofibrillar, 9, with early respiratory failure (MFM9). Also called: EDSTROM MYOPATHY; MYOPATHY, PROXIMAL, WITH EARLY RESPIRATORY MUSCLE INVOLVEMENT; Myopathy, distal, with early respiratory failure, autosomal dominant; Hereditary myopathy with early respiratory failure. Identifiers: Orphanet 178464, Orphanet 34521, MedGen C1863599, MONDO:0011362, OMIM 603689.
Dilated cardiomyopathy 1G (CMD1G). Identifiers: Orphanet 154, MedGen C1858763, MONDO:0011400, OMIM 604145.
Tibial muscular dystrophy (TMD). Also called: Tibial muscular dystrophy, tardive; UDD MYOPATHY; Udd Distal Myopathy – Tibial Muscular Dystrophy. Identifiers: Orphanet 609, MedGen C1838244, MONDO:0010870, OMIM 600334.
Hypertrophic cardiomyopathy 9. Also called: Familial hypertrophic cardiomyopathy 9. Identifiers: MedGen C1861065, MONDO:0013412, OMIM 613765.
Cardiomyopathy (CMYO). Also called: Cardiomyopathies. Identifiers: Orphanet 167848, MedGen C0878544, MONDO:0004994, HP:0001638. Inheritance: Various modes of inheritance.

Allele frequency attached by ClinVar (database versions not stated): gnomAD 0.00003; TOPMed 0.00004; ESP Exome Variant Server 0.00008; gnomAD exomes 0.00012; ExAC 0.00021.
gnomAD v4.1: 188 of 1,613,734 alleles (0.012%); highest among the groups gnomAD compares: Non-Finnish European, 0.014%; 1 homozygote.

Submissions (8):

PreventionGenetics, part of Exact Sciences
Classification: Uncertain significance for TTN-related condition. Last evaluated: 2025-12-03. Review status: criteria provided, single submitter. Criteria: ACMG Guidelines, 2015. Collection method: clinical testing. Allele origin: germline.
Comment: The TTN c.98591T>C variant is predicted to result in the amino acid substitution p.Val32864Ala. This variant has been reported as uncertain in an individual with cardiomyopathy (referred to as c.90887T>C, p.Val30296Ala in transcript NM_133378, van Lint et al. 2019. PubMed ID: 30847666). This variant is reported in 0.022% of alleles in individuals of European (Non-Finnish) descent in gnomAD. Although we suspect that this variant may be benign, at this time, the clinical significance of this variant is uncertain due to the absence of conclusive functional and genetic evidence.

Ambry Genetics
Classification: Likely benign for Cardiovascular phenotype. Last evaluated: 2025-05-27. Review status: criteria provided, single submitter. Criteria: Ambry Variant Classification Scheme 2023. Collection method: clinical testing. Allele origin: germline.

Blueprint Genetics
Classification: Uncertain significance. Last evaluated: 2024-09-09. Review status: criteria provided, single submitter. Criteria: ACMG Guidelines, 2015. Collection method: clinical testing. Allele origin: germline.

Daryl Scott Lab, Baylor College of Medicine
Classification: Uncertain significance for TTN-related disorder. Last evaluated: 2024-04-01. Review status: criteria provided, single submitter. Criteria: ACMG Guidelines, 2015. Collection method: clinical testing. Allele origin: paternal. Observed: 1 heterozygote.
Comment: PP3

CeGaT Center for Human Genetics Tuebingen
Classification: Uncertain significance. Last evaluated: 2022-03-01. Review status: criteria provided, single submitter. Criteria: CeGaT Center For Human Genetics Tuebingen Variant Classification Criteria Version 2. Collection method: clinical testing. Allele origin: germline. Affected: yes. Observed: 1 variant allele.

Fulgent Genetics
Classification: Uncertain significance for Tibial muscular dystrophy; Myopathy, myofibrillar, 9, with early respiratory failure; Dilated cardiomyopathy 1G; Autosomal recessive limb-girdle muscular dystrophy type 2J; Early-onset myopathy with fatal cardiomyopathy; Hypertrophic cardiomyopathy 9. Last evaluated: 2021-11-22. Review status: criteria provided, single submitter. Criteria: ACMG Guidelines, 2015. Collection method: clinical testing. Allele origin: unknown.

CHEO Genetics Diagnostic Laboratory, Children's Hospital of Eastern Ontario
Classification: Uncertain significance for Cardiomyopathy. Last evaluated: 2021-01-26. Review status: criteria provided, single submitter. Criteria: ACMG Guidelines, 2015. Collection method: clinical testing. Allele origin: germline.

GeneDx
Classification: Uncertain significance. Last evaluated: 2014-10-17. Review status: criteria provided, single submitter. Criteria: GeneDx Variant Classification (06012015). Collection method: clinical testing. Allele origin: germline. Affected: yes.
Comment: Missense variants in the TTN gene are considered 'unclassified' if they are not previously reported in the literature and do not have >1% frequency in the population to be considered a polymorphism. Research indicates that truncating mutations in the TTN gene are expected to account for approximately 25% of familial and 18% of sporadic idiopathic DCM; however, truncating variants in the TTN gene have been reported in approximately 3% of reported control alleles. There has been little investigation into non-truncating variants. (Herman D et al. Truncations of titin causing dilated cardiomyopathy. N Eng J Med 366:619-628, 2012) The variant is found in DCM-CRDM,CARDIOMYOPATHY panel(s).